The following is an entry in ClinVar:

NM_201596.3(CACNB2):c.1255C>T (p.Leu419Phe)

Gene: CACNB2 (calcium voltage-gated channel auxiliary subunit beta 2; plus strand). Cytogenetic location: 10p12.31.
Variant type: single nucleotide variant.
Coding change: c.1255C>T on transcript NM_201596.3 (MANE Select); coding-DNA position 1255, C replaced by T.
Protein change: p.Leu419Phe; replaces leucine 419 with phenylalanine.
Molecular consequence: missense variant.
Genome position (GRCh38, 1-based): chr10:18,536,149, C>T. VCF-style: chr10-18536149-C-T. GRCh37 (hg19) VCF-style: chr10-18825078-C-T.
Other names: c.1090C>T, p.Leu364Phe (NM_000724.4); c.1057C>T, p.Leu353Phe (NM_001167945.2); c.976C>T, p.Leu326Phe (NM_001330060.2); c.997C>T, p.Leu333Phe (NM_001410882.1); c.1111C>T, p.Leu371Phe (NM_201570.3); c.1171C>T, p.Leu391Phe (NM_201571.4); c.1099C>T, p.Leu367Phe (NM_201572.4); c.1093C>T, p.Leu365Phe (NM_201590.3); and 2 more; short protein forms L326F, L353F, L367F, L365F, L333F, L364F, L371F, L381F.
Identifiers: ClinVar variation 4761841 (VCV004761841.1).

ClinVar aggregate classification (germline): Uncertain significance (1 of 4 stars; one submission).

Conditions:
Brugada syndrome 4 (BRGDA4). Identifiers: Orphanet 130, MedGen C2678477, MONDO:0012743, OMIM 611876.

Submission:

Labcorp Genetics (formerly Invitae), Labcorp
Classification: Uncertain significance for Brugada syndrome 4. Last evaluated: 2025-07-28. Review status: criteria provided, single submitter. Criteria: Invitae Variant Classification Sherloc (09022015). Collection method: clinical testing. Allele origin: germline.
Comment: This sequence change replaces leucine, which is neutral and non-polar, with phenylalanine, which is neutral and non-polar, at codon 365 of the CACNB2 protein (p.Leu365Phe). This variant is not present in population databases (gnomAD no frequency). This variant has not been reported in the literature in individuals affected with CACNB2-related conditions. Invitae Evidence Modeling of protein sequence and biophysical properties (such as structural, functional, and spatial information, amino acid conservation, physicochemical variation, residue mobility, and thermodynamic stability) indicates that this missense variant is expected to disrupt CACNB2 protein function with a positive predictive value of 80%. In summary, the available evidence is currently insufficient to determine the role of this variant in disease. Therefore, it has been classified as a Variant of Uncertain Significance.